The following is an entry in ClinVar:

NM_021254.4(CFAP298):c.224T>C (p.Leu75Ser)

Genes: CFAP298 (cilia and flagella associated protein 298; minus strand), CFAP298-TCP10L (CFAP298-TCP10L readthrough; minus strand). Cytogenetic location: 21q22.11.
Variant type: single nucleotide variant.
Coding change: c.224T>C on transcript NM_021254.4 (MANE Select); coding-DNA position 224, T replaced by C.
Protein change: p.Leu75Ser; replaces leucine 75 with serine.
Molecular consequence: missense variant. On other transcripts: non-coding transcript variant (2), 5 prime UTR variant (1).
Genome position (GRCh38, 1-based): chr21:32,609,921, A>G on the plus strand (T>C on the coding strand, the complement: CFAP298 is on the minus strand). VCF-style: chr21-32609921-A-G. GRCh37 (hg19) VCF-style: chr21-33982231-A-G.
Other names: c.224T>C, p.Leu75Ser (NM_001350338.2, NM_001350335.2, NM_001350336.2 and 1 more transcripts); c.-6T>C (NM_001350334.2); short protein forms L75S.
Identifiers: ClinVar variation 4769622 (VCV004769622.1).
Genomic context (GRCh38, chr21:32,609,921, plus strand): 5'-TCATCCTTTTTAAACACTGCACCTCCGCTGGGTACGCATTTTTCACCCCATTCATCCTTC[A>G]ATTTCAATTCTTCAATCTGATCATCGGTCAGTCCTTGCATATTAGGAGGGAGAAATATGC-3'
Protein context (NP_067077.1, residues 65-85): LTDDQIEELK[Leu75Ser]KDEWGEKCVP

ClinVar aggregate classification (germline): Uncertain significance (1 of 4 stars; one submission).

Submission:

Labcorp Genetics (formerly Invitae), Labcorp
Classification: Uncertain significance. Last evaluated: 2025-05-18. Review status: criteria provided, single submitter. Criteria: Invitae Variant Classification Sherloc (09022015). Collection method: clinical testing. Allele origin: germline.
Comment: This sequence change replaces leucine, which is neutral and non-polar, with serine, which is neutral and polar, at codon 75 of the CFAP298 protein (p.Leu75Ser). This variant is not present in population databases (gnomAD no frequency). This variant has not been reported in the literature in individuals affected with CFAP298-related conditions. An algorithm developed to predict the effect of missense changes on protein structure and function (PolyPhen-2) suggests that this variant is likely to be disruptive. In summary, the available evidence is currently insufficient to determine the role of this variant in disease. Therefore, it has been classified as a Variant of Uncertain Significance.